The following is an entry in ClinVar:

ClinVar aggregate classification (germline): Uncertain significance (1 of 4 stars; one submission).

Allele frequency attached by ClinVar (database versions not stated): gnomAD exomes below 0.00001; gnomAD 0.00001.
gnomAD v4.1: 4 of 1,608,752 alleles (0.00025%); highest among the groups gnomAD compares: Admixed American, 0.0017%; no homozygotes.

Submission:

Labcorp Genetics (formerly Invitae), Labcorp
Classification: Uncertain significance. Last evaluated: 2022-08-07. Review status: criteria provided, single submitter. Criteria: Invitae Variant Classification Sherloc (09022015). Collection method: clinical testing. Allele origin: germline.
Comment: This sequence change replaces serine, which is neutral and polar, with asparagine, which is neutral and polar, at codon 590 of the MTTP protein (p.Ser590Asn). This variant also falls at the last nucleotide of exon 13, which is part of the consensus splice site for this exon. This variant is not present in population databases (gnomAD no frequency). This variant has not been reported in the literature in individuals affected with MTTP-related conditions. ClinVar contains an entry for this variant (Variation ID: 1350670). Algorithms developed to predict the effect of missense changes on protein structure and function (SIFT, PolyPhen-2, Align-GVGD) all suggest that this variant is likely to be tolerated. Variants that disrupt the consensus splice site are a relatively common cause of aberrant splicing (PMID: 17576681, 9536098). Algorithms developed to predict the effect of sequence changes on RNA splicing suggest that this variant may disrupt the consensus splice site. In summary, the available evidence is currently insufficient to determine the role of this variant in disease. Therefore, it has been classified as a Variant of Uncertain Significance.

Literature cited by the submitters: PubMed 17576681; PubMed 9536098.

NM_001386140.1(MTTP):c.1769G>A (p.Ser590Asn)

Gene: MTTP (microsomal triglyceride transfer protein; plus strand). Cytogenetic location: 4q23.
Variant type: single nucleotide variant.
Coding change: c.1769G>A on transcript NM_001386140.1 (MANE Select); coding-DNA position 1769, G replaced by A.
Protein change: p.Ser590Asn; replaces serine 590 with asparagine.
Molecular consequence: missense variant.
Genome position (GRCh38, 1-based): chr4:99,608,977, G>A. VCF-style: chr4-99608977-G-A. GRCh37 (hg19) VCF-style: chr4-100530134-G-A.
Other names: c.1769G>A, p.Ser590Asn (NM_000253.4); c.1520G>A, p.Ser507Asn (NM_001300785.2); short protein forms S590N, S507N.
Identifiers: ClinVar variation 1350670 (VCV001350670.5), dbSNP rs199422222, ClinGen allele CA357513625.